The following is an entry in ClinVar:

ClinVar aggregate classification (germline): Pathogenic (1 of 4 stars; one submission).

Conditions:
Fanconi anemia (FA). Also called: Fanconi's anemia. Identifiers: Orphanet 84, MedGen C0015625, MeSH D005199, MONDO:0019391.

Submission:

Labcorp Genetics (formerly Invitae), Labcorp
Classification: Pathogenic for Fanconi anemia. Last evaluated: 2023-07-28. Review status: criteria provided, single submitter. Criteria: Invitae Variant Classification Sherloc (09022015). Collection method: clinical testing. Allele origin: germline.
Comment: ClinVar contains an entry for this variant (Variation ID: 1452560). This variant has not been reported in the literature in individuals affected with FANCG-related conditions. This variant is not present in population databases (gnomAD no frequency). This sequence change creates a premature translational stop signal (p.Pro187Glnfs*5) in the FANCG gene. It is expected to result in an absent or disrupted protein product. Loss-of-function variants in FANCG are known to be pathogenic (PMID: 12552564). For these reasons, this variant has been classified as Pathogenic.

Literature cited by the submitters: PubMed 12552564.

NM_004629.2(FANCG):c.560del (p.Pro187fs)

Gene: FANCG (FA complementation group G; minus strand). Cytogenetic location: 9p13.3.
Variant type: Deletion.
Coding change: c.560del on transcript NM_004629.2 (MANE Select); coding-DNA position 560, one base deleted (C; older notation c.560delC).
Protein change: p.Pro187fs; shifts the reading frame from proline 187.
Molecular consequence: frameshift variant.
Genome position (GRCh38, 1-based): chr9:35,077,350, G deleted on the plus strand (C on the coding strand, the reverse complement: FANCG is on the minus strand); the first of 5 consecutive G bases (chr9:35,077,350-35,077,354); deleting any one gives the same sequence. VCF-style (leftmost placement, unchanged base first): chr9-35077349-TG-T. GRCh37 (hg19) VCF-style: chr9-35077346-TG-T.
Other names: short protein forms P187fs.
Identifiers: ClinVar variation 1452560 (VCV001452560.6), dbSNP rs2131057213, ClinGen allele CA2573144520.